The following is an entry in ClinVar:

NM_130849.4(SLC39A4):c.1237_1238insA (p.Phe413fs)

Gene: SLC39A4 (solute carrier family 39 member 4; minus strand). Cytogenetic location: 8q24.3.
Variant type: Insertion.
Coding change: c.1237_1238insA on transcript NM_130849.4 (MANE Select); coding-DNA positions 1237 to 1238, A inserted.
Protein change: p.Phe413fs; shifts the reading frame from phenylalanine 413.
Molecular consequence: frameshift variant.
Genome position: GRCh38 VCF-style: chr8-144414007-A-AT. GRCh37 (hg19) VCF-style: chr8-145639391-A-AT.
Other names: c.955_956insA, p.Phe319fs (NM_001374839.1); c.1162_1163insA, p.Phe388fs (NM_017767.3); short protein forms F319fs, F388fs, F413fs.
Identifiers: ClinVar variation 954631 (VCV000954631.6), dbSNP rs1822038329, ClinGen allele CA1139660826.

ClinVar aggregate classification (germline): Pathogenic (1 of 4 stars; one submission).

Submission:

Labcorp Genetics (formerly Invitae), Labcorp
Classification: Pathogenic. Last evaluated: 2019-09-09. Review status: criteria provided, single submitter. Criteria: Invitae Variant Classification Sherloc (09022015). Collection method: clinical testing. Allele origin: germline.
Comment: For these reasons, this variant has been classified as Pathogenic. Loss-of-function variants in SLC39A4 are known to be pathogenic (PMID: 12955721). This variant has not been reported in the literature in individuals with SLC39A4-related conditions. This variant is not present in population databases (ExAC no frequency). This sequence change creates a premature translational stop signal (p.Phe413Tyrfs*5) in the SLC39A4 gene. It is expected to result in an absent or disrupted protein product.

Literature cited by the submitters: PubMed 12955721.